The following is an entry in ClinVar:

ClinVar aggregate classification (germline): Uncertain significance (1 of 4 stars; one submission).

Conditions:
Hereditary cancer-predisposing syndrome. Also called: Neoplastic Syndromes, Hereditary; Hereditary Cancer Syndrome; Tumor predisposition; Hereditary neoplastic syndrome. Identifiers: Orphanet 140162, MedGen C0027672, MeSH D009386, MONDO:0015356.

Submission:

Ambry Genetics
Classification: Uncertain significance for Hereditary cancer-predisposing syndrome. Last evaluated: 2025-03-08. Review status: criteria provided, single submitter. Criteria: Ambry Variant Classification Scheme 2023. Collection method: clinical testing. Allele origin: germline.
Comment: The p.D276E variant (also known as c.828T>A), located in coding exon 7 of the SUFU gene, results from a T to A substitution at nucleotide position 828. The aspartic acid at codon 276 is replaced by glutamic acid, an amino acid with highly similar properties. This amino acid position is conserved. In addition, this alteration is predicted to be tolerated by in silico analysis. Based on the available evidence, the clinical significance of this variant remains unclear.

NM_016169.4(SUFU):c.828T>A (p.Asp276Glu)

Gene: SUFU (SUFU negative regulator of hedgehog signaling; plus strand). Cytogenetic location: 10q24.32.
Variant type: single nucleotide variant.
Coding change: c.828T>A on transcript NM_016169.4 (MANE Select); coding-DNA position 828, T replaced by A.
Protein change: p.Asp276Glu; replaces aspartic acid 276 with glutamic acid.
Molecular consequence: missense variant.
Genome position (GRCh38, 1-based): chr10:102,597,211, T>A. VCF-style: chr10-102597211-T-A. GRCh37 (hg19) VCF-style: chr10-104356968-T-A.
Other names: c.828T>A, p.Asp276Glu (NM_001178133.2); short protein forms D276E.
Identifiers: ClinVar variation 3802912 (VCV003802912.1).